The following is an entry in ClinVar:

ClinVar aggregate classification (germline): Likely pathogenic (1 of 4 stars; one submission).

Conditions:
Autosomal recessive nonsyndromic hearing loss 4 (DFNB4). Also called: Deafness, autosomal recessive 4; FOXI1-Related Pendred Syndrome; KCNJ10-Related Pendred Syndrome; DEAFNESS, AUTOSOMAL RECESSIVE 4, WITH ENLARGED VESTIBULAR AQUEDUCT, DIGENIC; NEUROSENSORY NONSYNDROMIC RECESSIVE DEAFNESS 4; Nonsyndromic enlarged vestibular aqueduct (NSEVA). Identifiers: Orphanet 90636, MedGen C3538946, MONDO:0010933, OMIM 600791.

Submission:

Institute of Rare Diseases, West China Hospital, Sichuan University
Classification: Likely pathogenic for Autosomal recessive nonsyndromic hearing loss 4. Last evaluated: 2025-01-09. Review status: criteria provided, single submitter. Criteria: ClinGen HL ACMG Specifications v1. Collection method: research. Allele origin: germline. Affected: yes.
Comment: PM3;PM5;PP4;PM2_Supporting;PP3

NM_000441.2(SLC26A4):c.79T>G (p.Tyr27Asp)

Genes: SLC26A4 (solute carrier family 26 member 4; plus strand), SLC26A4-AS1 (SLC26A4 antisense RNA 1; minus strand). Cytogenetic location: 7q22.3.
Variant type: single nucleotide variant.
Coding change: c.79T>G on transcript NM_000441.2 (MANE Select); coding-DNA position 79, T replaced by G.
Protein change: p.Tyr27Asp; replaces tyrosine 27 with aspartic acid.
Molecular consequence: missense variant. On other transcripts: non-coding transcript variant (1).
Genome position (GRCh38, 1-based): chr7:107,661,720, T>G. VCF-style: chr7-107661720-T-G. GRCh37 (hg19) VCF-style: chr7-107302165-T-G.
Other names: short protein forms Y27D.
Identifiers: ClinVar variation 3601784 (VCV003601784.1).
Genomic context (GRCh38, chr7:107,661,720, plus strand): 5'-AGGTCGGAGCCGCCGCAGCTCCCCGAGTACAGCTGCAGCTACATGGTGTCGCGGCCGGTC[T>G]ACAGCGAGCTCGCTTTCCAGCAACAGCACGAGCGGCGCCTGCAGGAGCGCAAGACGCTGC-3'
Protein context (NP_000432.1, residues 17-37): SCSYMVSRPV[Tyr27Asp]SELAFQQQHE